The following is an entry in ClinVar:

ClinVar aggregate classification (germline): Likely benign (1 of 4 stars; one submission).

Allele frequency attached by ClinVar (database versions not stated): gnomAD exomes 0.00004; ExAC 0.00005; 1000 Genomes Project 0.00719.

Submission:

CeGaT Center for Human Genetics Tuebingen
Classification: Likely benign. Last evaluated: 2025-09-01. Review status: criteria provided, single submitter. Criteria: CeGaT Center For Human Genetics Tuebingen Variant Classification Criteria Version 2. Collection method: clinical testing. Allele origin: germline. Affected: yes. Observed: 8 variant alleles.
Comment: IVL: BP4, BP7

NM_005547.4(IVL):c.528G>A (p.Pro176=)

Gene: IVL (involucrin; plus strand). Cytogenetic location: 1q21.3.
Variant type: single nucleotide variant.
Coding change: c.528G>A on transcript NM_005547.4 (MANE Select); coding-DNA position 528, G replaced by A.
Protein change: p.Pro176=; no amino-acid change (proline 176 retained).
Molecular consequence: synonymous variant.
Genome position (GRCh38, 1-based): chr1:152,910,325, G>A. VCF-style: chr1-152910325-G-A. GRCh37 (hg19) VCF-style: chr1-152882801-G-A.
Identifiers: ClinVar variation 2639343 (VCV002639343.24), dbSNP rs11205136, ClinGen allele CA1112679.
Genomic context (GRCh38, chr1:152,910,325, plus strand): 5'-AGAGCAGCAGGAGGGGCACCTGAAGCACCTAGAGCAGCAGGAGGGACAGCTGAAGCACCC[G>A]GAGCAGCAGGAGGGGCAGCTGGAGCTCCCAGAGCAGCAGGAGGGGCAGCTGGAGCTCCCA-3'
Protein context (NP_005538.2, residues 166-186): LEQQEGQLKH[Pro176=]EQQEGQLELP